The following is an entry in ClinVar:

ClinVar aggregate classification (germline): Conflicting classifications of pathogenicity. Review status: criteria provided, conflicting classifications (1 of 4 stars). 8 submissions from 8 submitters: Uncertain significance (1); Benign (1); Likely benign (5). 1 of the submissions does not count toward it. Last evaluated 2026-02-02.

Conditions:
NCF2-related disorder. Also called: NCF2-related condition.
Granulomatous disease, chronic, autosomal recessive, cytochrome b-positive, type 2. Also called: Chronic granulomatous disease due to deficiency of NCF-2; CGD, AUTOSOMAL RECESSIVE CYTOCHROME b-POSITIVE, TYPE II; GRANULOMATOUS DISEASE, CHRONIC, AUTOSOMAL RECESSIVE, 2; GRANULOMATOUS DISEASE, CHRONIC, DUE TO NCF2 DEFICIENCY; Chronic Granulomatous Disease, Autosomal Recessive, Cytochrome b-Positive, Type II. Identifiers: Orphanet 379, MedGen C1856245, MONDO:0009310, OMIM 233710.

Allele frequency attached by ClinVar (database versions not stated): gnomAD exomes 0.00026 and 0.00067; ExAC 0.00080; 1000 Genomes Project 30x 0.00219; gnomAD 0.00239 and 0.00260; 1000 Genomes Project 0.00260; TOPMed 0.00265; ESP Exome Variant Server 0.00300.

Submissions (8):

Labcorp Genetics (formerly Invitae), Labcorp
Classification: Benign for Granulomatous disease, chronic, autosomal recessive, cytochrome b-positive, type 2. Last evaluated: 2026-02-02. Review status: criteria provided, single submitter. Criteria: Invitae Variant Classification Sherloc (09022015). Collection method: clinical testing. Allele origin: germline.

Women's Health and Genetics/Laboratory Corporation of America, LabCorp
Classification: Likely benign. Last evaluated: 2026-01-23. Review status: criteria provided, single submitter. Criteria: LabCorp Variant Classification Summary - May 2015. Collection method: clinical testing. Allele origin: germline.

CeGaT Center for Human Genetics Tuebingen
Classification: Likely benign. Last evaluated: 2025-07-01. Review status: criteria provided, single submitter. Criteria: CeGaT Center For Human Genetics Tuebingen Variant Classification Criteria Version 2. Collection method: clinical testing. Allele origin: germline. Affected: yes. Observed: 1 variant allele.
Comment: NCF2: BP4, BS1

GeneDx
Classification: Likely benign. Last evaluated: 2020-11-09. Review status: criteria provided, single submitter. Criteria: GeneDx Variant Classification Process June 2021. Collection method: clinical testing. Allele origin: germline. Affected: yes.

Baylor Genetics
Classification: Uncertain significance for Granulomatous disease, chronic, autosomal recessive, cytochrome b-positive, type 2. Last evaluated: 2018-09-14. Review status: criteria provided, single submitter. Criteria: ACMG Guidelines, 2015. Collection method: clinical testing. Allele origin: maternal. Affected: yes.
Comment: This variant was determined to be of uncertain significance according to ACMG Guidelines, 2015 [PMID:25741868].

Eurofins Ntd Llc (ga)
Classification: Likely benign. Last evaluated: 2018-07-19. Review status: criteria provided, single submitter. Criteria: EGL ClinVar v180209 classification definitions. Collection method: clinical testing. Allele origin: germline. Observed: 1 variant allele, 1 heterozygote.

Illumina Laboratory Services, Illumina
Classification: Likely benign for Granulomatous disease, chronic, autosomal recessive, cytochrome b-positive, type 2. Last evaluated: 2018-01-12. Review status: criteria provided, single submitter. Criteria: ICSL Variant Classification Criteria 13 December 2019. Collection method: clinical testing. Allele origin: germline.
Comment: This variant was observed in the ICSL laboratory as part of a predisposition screen in an ostensibly healthy population. It had not been previously curated by ICSL or reported in the Human Gene Mutation Database (HGMD: prior to June 1st, 2018), and was therefore a candidate for classification through an automated scoring system. Utilizing variant allele frequency, disease prevalence and penetrance estimates, and inheritance mode, an automated score was calculated to assess if this variant is too frequent to cause the disease. Based on the score and internal cut-off values, a variant classified as likely benign is not then subjected to further curation. The score for this variant resulted in a classification of likely benign for this disease.

PreventionGenetics, part of Exact Sciences
Classification: Likely benign for NCF2-related condition. Last evaluated: 2022-04-28. Review status: no assertion criteria provided. Collection method: clinical testing. Allele origin: germline. Not counted in ClinVar's aggregate classification.
Comment: This variant is classified as likely benign based on ACMG/AMP sequence variant interpretation guidelines (Richards et al. 2015 PMID: 25741868, with internal and published modifications).

NM_000433.4(NCF2):c.563G>A (p.Arg188Lys)

Gene: NCF2 (neutrophil cytosolic factor 2; minus strand). Cytogenetic location: 1q25.3.
Variant type: single nucleotide variant.
Coding change: c.563G>A on transcript NM_000433.4 (MANE Select); coding-DNA position 563, G replaced by A.
Protein change: p.Arg188Lys; replaces arginine 188 with lysine.
Molecular consequence: missense variant. On other transcripts: intron variant (1).
Genome position (GRCh38, 1-based): chr1:183,573,231, C>T on the plus strand (G>A on the coding strand, the complement: NCF2 is on the minus strand). VCF-style: chr1-183573231-C-T. GRCh37 (hg19) VCF-style: chr1-183542366-C-T.
Other names: c.563G>A, p.Arg188Lys (NM_001127651.3); c.428G>A, p.Arg143Lys (NM_001190794.2); c.367-2392G>A (NM_001190789.2); short protein forms R188K, R143K.
Identifiers: ClinVar variation 294084 (VCV000294084.34), dbSNP rs115365142, ClinGen allele CA1284926.